The following is an entry in ClinVar:

NM_001267550.2(TTN):c.88306+281G>A

Genes: TTN (titin; minus strand), TTN-AS1 (TTN antisense RNA 1; plus strand). Cytogenetic location: 2q31.2.
Variant type: single nucleotide variant.
Coding change: c.88306+281G>A on transcript NM_001267550.2 (MANE Select); 281 bases into the intron after coding-DNA position 88306, G replaced by A.
Molecular consequence: intron variant.
Genome position (GRCh38, 1-based): chr2:178,556,567, C>T on the plus strand (G>A on the coding strand, the complement: TTN is on the minus strand). VCF-style: chr2-178556567-C-T. GRCh37 (hg19) VCF-style: chr2-179421294-C-T.
Other names: c.61111+281G>A (NM_003319.4); c.61687+281G>A (NM_133437.4); c.61486+281G>A (NM_133432.3); c.80602+281G>A (NM_133378.4); c.83383+281G>A (NM_001256850.1).
Identifiers: ClinVar variation 680837 (VCV000680837.1), dbSNP rs35504893, ClinGen allele CA15152114.

ClinVar aggregate classification (germline): Benign (1 of 4 stars; one submission).

Allele frequency attached by ClinVar (database versions not stated): gnomAD exomes 0.23378; gnomAD 0.23955 and 0.24577; TOPMed 0.24870; 1000 Genomes Project 30x 0.34728; 1000 Genomes Project 0.35643.
gnomAD v4.1: 97,665 of 408,882 alleles (24%); highest among the groups gnomAD compares: East Asian, 67%; 14,327 homozygotes.

Submission:

GeneDx
Classification: Benign. Last evaluated: 2018-06-14. Review status: criteria provided, single submitter. Criteria: GeneDx Variant Classification (06012015). Collection method: clinical testing. Allele origin: germline. Affected: yes.
Comment: This variant is considered likely benign or benign based on one or more of the following criteria: it is a conservative change, it occurs at a poorly conserved position in the protein, it is predicted to be benign by multiple in silico algorithms, and/or has population frequency not consistent with disease.